The following is an entry in ClinVar:

ClinVar aggregate classification (germline): Uncertain significance. Review status: criteria provided, multiple submitters, no conflicts (2 of 4 stars). 7 submissions from 2 submitters: Uncertain significance (7). Last evaluated 2024-09-27.

Conditions:
Scapuloperoneal spinal muscular atrophy (SPSMA). Also called: Scapuloperoneal Spinal Muscular Atrophy, TRPV4-Related; AMYOTROPHY, NEUROGENIC SCAPULOPERONEAL, NEW ENGLAND TYPE; Scapuloperoneal Form of Spinal Muscular Atrophy; Scapuloperoneal spinal muscular atrophy, autosomal dominant. Identifiers: Orphanet 431255, MedGen C0751335, MONDO:0008408, OMIM 181405.
Charcot-Marie-Tooth disease axonal type 2C (HMSN2C). Also called: Charcot-Marie-Tooth Disease Type 2, TRPV4-Related (CMT2C); CHARCOT-MARIE-TOOTH DISEASE, AXONAL, AUTOSOMAL DOMINANT, TYPE 2C; Charcot-Marie-Tooth Neuropathy Type 2C. Identifiers: Orphanet 99937, MedGen C1853710, MONDO:0011633, OMIM 606071.
Neuronopathy, distal hereditary motor, autosomal dominant 8. Also called: Autosomal dominant congenital benign spinal muscular atrophy; SPINAL MUSCULAR ATROPHY, CONGENITAL BENIGN, WITH CONTRACTURES; NEURONOPATHY, DISTAL HEREDITARY MOTOR, TYPE VIII; NEUROPATHY, DISTAL HEREDITARY MOTOR, TYPE VIII. Identifiers: Orphanet 1216, MedGen C1838492, MONDO:0010839, OMIM 600175.
Metatropic dysplasia (MTD). Also called: Metatropic Dysplasia, TRPV4-Related; METATROPIC DWARFISM; Metatropic dysplasia, nonlethal dominant. Identifiers: Orphanet 2635, MedGen C0265281, MONDO:0007986, OMIM 156530.
Spondylometaphyseal dysplasia, Kozlowski type (SMDK). Also called: Dysmorphism arthrogryposis skeletal maturation advanced; Jequier-Kozlowski syndrome; Skeletal dysplasia Jequier-Kozlowski type; SMD Kozlowski type; Spondylometaphyseal Dysplasia, TRPV4-Related (Kozlowski Type). Identifiers: Orphanet 93314, MedGen C0265280, MONDO:0008477, OMIM 184252.
Brachyrachia (short spine dysplasia) (BCYM3). Also called: BRACHYRACHIA; Autosomal dominant brachyolmia; Brachyolmia, TRPV4-Related; Brachyolmia Type 3. Identifiers: Orphanet 93304, MedGen C0432227, MONDO:0007232, OMIM 113500.

Allele frequency attached by ClinVar (database versions not stated): TOPMed below 0.00001; gnomAD 0.00001; gnomAD exomes 0.00001; ExAC 0.00002.
gnomAD v4.1: 44 of 1,613,948 alleles (0.0027%); highest among the groups gnomAD compares: East Asian, 0.091%; no homozygotes.

Submissions (7):

Labcorp Genetics (formerly Invitae), Labcorp
Classification: Uncertain significance for Charcot-Marie-Tooth disease axonal type 2C. Last evaluated: 2024-09-27. Review status: criteria provided, single submitter. Criteria: Invitae Variant Classification Sherloc (09022015). Collection method: clinical testing. Allele origin: germline.
Comment: This sequence change replaces methionine, which is neutral and non-polar, with threonine, which is neutral and polar, at codon 534 of the TRPV4 protein (p.Met534Thr). This variant is present in population databases (rs775011025, gnomAD 0.006%). This variant has not been reported in the literature in individuals affected with TRPV4-related conditions. ClinVar contains an entry for this variant (Variation ID: 307128). Invitae Evidence Modeling of protein sequence and biophysical properties (such as structural, functional, and spatial information, amino acid conservation, physicochemical variation, residue mobility, and thermodynamic stability) indicates that this missense variant is not expected to disrupt TRPV4 protein function with a negative predictive value of 95%. In summary, the available evidence is currently insufficient to determine the role of this variant in disease. Therefore, it has been classified as a Variant of Uncertain Significance.

Illumina Laboratory Services, Illumina
Classification: Uncertain significance for Metatropic dysplasia. Last evaluated: 2018-01-13. Review status: criteria provided, single submitter. Criteria: ICSL Variant Classification Criteria 13 December 2019. Collection method: clinical testing. Allele origin: germline.

Illumina Laboratory Services, Illumina
Classification: Uncertain significance for Neuronopathy, distal hereditary motor, autosomal dominant 8. Last evaluated: 2018-01-13. Review status: criteria provided, single submitter. Criteria: ICSL Variant Classification Criteria 13 December 2019. Collection method: clinical testing. Allele origin: germline.

Illumina Laboratory Services, Illumina
Classification: Uncertain significance for Scapuloperoneal spinal muscular atrophy. Last evaluated: 2018-01-13. Review status: criteria provided, single submitter. Criteria: ICSL Variant Classification Criteria 13 December 2019. Collection method: clinical testing. Allele origin: germline.

Illumina Laboratory Services, Illumina
Classification: Uncertain significance for Charcot-Marie-Tooth disease axonal type 2C. Last evaluated: 2018-01-13. Review status: criteria provided, single submitter. Criteria: ICSL Variant Classification Criteria 13 December 2019. Collection method: clinical testing. Allele origin: germline.

Illumina Laboratory Services, Illumina
Classification: Uncertain significance for Brachyrachia (short spine dysplasia). Last evaluated: 2018-01-13. Review status: criteria provided, single submitter. Criteria: ICSL Variant Classification Criteria 13 December 2019. Collection method: clinical testing. Allele origin: germline.

Illumina Laboratory Services, Illumina
Classification: Uncertain significance for Spondylometaphyseal dysplasia, Kozlowski type. Last evaluated: 2018-01-13. Review status: criteria provided, single submitter. Criteria: ICSL Variant Classification Criteria 13 December 2019. Collection method: clinical testing. Allele origin: germline.

NM_021625.5(TRPV4):c.1601T>C (p.Met534Thr)

Gene: TRPV4 (transient receptor potential cation channel subfamily V member 4; minus strand). Cytogenetic location: 12q24.11.
Variant type: single nucleotide variant.
Coding change: c.1601T>C on transcript NM_021625.5 (MANE Select); coding-DNA position 1601, T replaced by C.
Protein change: p.Met534Thr; replaces methionine 534 with threonine.
Molecular consequence: missense variant.
Genome position (GRCh38, 1-based): chr12:109,793,584, A>G on the plus strand (T>C on the coding strand, the complement: TRPV4 is on the minus strand). VCF-style: chr12-109793584-A-G. GRCh37 (hg19) VCF-style: chr12-110231389-A-G.
Other names: c.1460T>C, p.Met487Thr (NM_001177428.2); c.1499T>C, p.Met500Thr (NM_001177431.2); c.1280T>C, p.Met427Thr (NM_001177433.2); c.1421T>C, p.Met474Thr (NM_147204.3); short protein forms M534T, M474T, M500T, M487T, M427T.
Identifiers: ClinVar variation 307128 (VCV000307128.7), dbSNP rs775011025, ClinGen allele CA6780145.
Genomic context (GRCh38, chr12:109,793,584, plus strand): 5'-CACTAGAGCAGCTGGAAGGAGCCATCAATGAAGAGAGAATTCACTCCAGGGCATTTCTTC[A>G]TGAACAAGTCTTTGATCTGGAAGACAGGAGGGGGCACGTGAAAGGGGTGGGGCCAGCAGG-3'
Protein context (NP_067638.3, residues 524-544): FFFTNIKDLF[Met534Thr]KKCPGVNSLF